The following is an entry in ClinVar:

NM_000548.5(TSC2):c.2202C>G (p.Cys734Trp)

Gene: TSC2 (TSC complex subunit 2; plus strand). Cytogenetic location: 16p13.3.
Variant type: single nucleotide variant.
Coding change: c.2202C>G on transcript NM_000548.5 (MANE Select); coding-DNA position 2202, C replaced by G.
Protein change: p.Cys734Trp; replaces cysteine 734 with tryptophan.
Molecular consequence: missense variant. On other transcripts: non-coding transcript variant (5).
Genome position (GRCh38, 1-based): chr16:2,072,345, C>G. VCF-style: chr16-2072345-C-G. GRCh37 (hg19) VCF-style: chr16-2122346-C-G.
Other names: c.2292C>G, p.Cys764Trp (NM_001406667.1, NM_001406668.1); c.2091C>G, p.Cys697Trp (NM_001406670.1, NM_001406678.1, NM_001318827.2); c.2190C>G, p.Cys730Trp (NM_001406671.1, NM_001406673.1); c.2055C>G, p.Cys685Trp (NM_001406675.1, NM_001406676.1, NM_001406679.1 and 1 more transcripts); c.2145C>G, p.Cys715Trp (NM_001406677.1); c.858C>G, p.Cys286Trp (NM_001406689.1, NM_001406690.1, NM_001406691.1 and 6 more transcripts); c.600C>G, p.Cys200Trp (NM_001406698.1); c.2202C>G, p.Cys734Trp (NM_001077183.3, NM_001114382.3, NM_001363528.2 and 6 more transcripts); and 3 more; short protein forms C200W, C286W, C734W, C534W, C580W, C730W, C685W, C697W.
Identifiers: ClinVar variation 4192191 (VCV004192191.1).
Genomic context (GRCh38, chr16:2,072,345, plus strand): 5'-TGAGTCCCTGCGCTATAAAGTGCTCATCTTTACTTCCCCTTGCAGTGTGGACCAGCTGTG[C>G]TCTGCTCTCTGCTCCATGGTACCATGGCCGGCCTGGGGTTGGGGTGGGGGACCCAGTAGG-3'
Protein context (NP_000539.2, residues 724-744): FTSPCSVDQL[Cys734Trp]SALCSMLSGP

ClinVar aggregate classification (germline): Uncertain significance (1 of 4 stars; one submission).

Conditions:
Hereditary cancer-predisposing syndrome. Also called: Neoplastic Syndromes, Hereditary; Tumor predisposition; Hereditary Cancer Syndrome; Hereditary neoplastic syndrome. Identifiers: Orphanet 140162, MedGen C0027672, MeSH D009386, MONDO:0015356.

Submission:

Ambry Genetics
Classification: Uncertain significance for Hereditary cancer-predisposing syndrome. Last evaluated: 2025-09-01. Review status: criteria provided, single submitter. Criteria: Ambry Variant Classification Scheme 2023. Collection method: clinical testing. Allele origin: germline.
Comment: The p.C734W variant (also known as c.2202C>G), located in coding exon 19 of the TSC2 gene, results from a C to G substitution at nucleotide position 2202. The cysteine at codon 734 is replaced by tryptophan, an amino acid with highly dissimilar properties. This amino acid position is conserved. In addition, the in silico prediction for this alteration is inconclusive. Based on the available evidence, the clinical significance of this variant remains unclear.